The following is an entry in ClinVar:

ClinVar aggregate classification (germline): Uncertain significance. Review status: criteria provided, multiple submitters, no conflicts (2 of 4 stars). 3 submissions from 3 submitters: Uncertain significance (3). Last evaluated 2025-08-02.

Conditions:
Intellectual disability, autosomal dominant 16 (CSS4). Also called: COFFIN-SIRIS SYNDROME 4. Identifiers: Orphanet 1465, MedGen C3553249, MONDO:0013821, OMIM 614609.
Hereditary cancer-predisposing syndrome. Also called: Neoplastic Syndromes, Hereditary; Tumor predisposition; Hereditary Cancer Syndrome; Hereditary neoplastic syndrome. Identifiers: Orphanet 140162, MedGen C0027672, MeSH D009386, MONDO:0015356.
Rhabdoid tumor predisposition syndrome 2 (RTPS2). Identifiers: Orphanet 231108, Orphanet 69077, MedGen C2750074, MONDO:0013224, OMIM 613325.

Allele frequency attached by ClinVar (database versions not stated): TOPMed 0.00001; gnomAD 0.00001.

Submissions (3):

Ambry Genetics
Classification: Uncertain significance for Hereditary cancer-predisposing syndrome. Last evaluated: 2025-08-02. Review status: criteria provided, single submitter. Criteria: Ambry Variant Classification Scheme 2023. Collection method: clinical testing. Allele origin: germline.
Comment: The p.I1088T variant (also known as c.3263T>C), located in coding exon 23 of the SMARCA4 gene, results from a T to C substitution at nucleotide position 3263. The isoleucine at codon 1088 is replaced by threonine, an amino acid with similar properties. This amino acid position is highly conserved in available vertebrate species. In addition, this alteration is predicted to be deleterious by in silico analysis. Missense and in-frame variants in SMARCA4 are known to cause neurodevelopmental disorders; however, such associations with rhabdoid tumor predisposition syndrome including small cell carcinoma of the ovary-hypercalcemic type (SCCOHT) are exceedingly rare (Kosho T et al. Am J Med Genet C Semin Med Genet. 2014 Sep;166C(3):262-75; Jelinic P et al. Nat Genet. 2014 May;46(5):424-6). Since supporting evidence is limited at this time, the clinical significance of this alteration remains unclear.

Labcorp Genetics (formerly Invitae), Labcorp
Classification: Uncertain significance for Rhabdoid tumor predisposition syndrome 2. Last evaluated: 2022-01-26. Review status: criteria provided, single submitter. Criteria: Invitae Variant Classification Sherloc (09022015). Collection method: clinical testing. Allele origin: germline.
Comment: In summary, the available evidence is currently insufficient to determine the role of this variant in disease. Therefore, it has been classified as a Variant of Uncertain Significance. Algorithms developed to predict the effect of missense changes on protein structure and function (SIFT, PolyPhen-2, Align-GVGD) all suggest that this variant is likely to be disruptive. ClinVar contains an entry for this variant (Variation ID: 484899). This variant has not been reported in the literature in individuals affected with SMARCA4-related conditions. This variant is not present in population databases (gnomAD no frequency). This sequence change replaces isoleucine, which is neutral and non-polar, with threonine, which is neutral and polar, at codon 1088 of the SMARCA4 protein (p.Ile1088Thr).

Genome-Nilou Lab
Classification: Uncertain significance for Intellectual disability, autosomal dominant 16. Last evaluated: 2021-07-15. Review status: criteria provided, single submitter. Criteria: ACMG Guidelines, 2015. Collection method: clinical testing. Allele origin: germline. Affected: no.

NM_003072.5(SMARCA4):c.3263T>C (p.Ile1088Thr)

Gene: SMARCA4 (SWI/SNF related BAF chromatin remodeling complex subunit ATPase 4; plus strand). Cytogenetic location: 19p13.2.
Variant type: single nucleotide variant.
Coding change: c.3263T>C on transcript NM_003072.5 (MANE Select); coding-DNA position 3263, T replaced by C.
Protein change: p.Ile1088Thr; replaces isoleucine 1088 with threonine.
Molecular consequence: missense variant. On other transcripts: non-coding transcript variant (1).
Genome position (GRCh38, 1-based): chr19:11,027,831, T>C. VCF-style: chr19-11027831-T-C. GRCh37 (hg19) VCF-style: chr19-11138507-T-C.
Other names: c.3263T>C, p.Ile1088Thr (NM_001128844.3, NM_001128845.2, NM_001128846.2 and 5 more transcripts); short protein forms I1088T.
Identifiers: ClinVar variation 484899 (VCV000484899.17), dbSNP rs1363642477, ClinGen allele CA404061413.